The following is an entry in ClinVar:

NM_173630.4(RTTN):c.5971T>G (p.Ser1991Ala)

Gene: RTTN (rotatin; minus strand). Cytogenetic location: 18q22.2.
Variant type: single nucleotide variant.
Coding change: c.5971T>G on transcript NM_173630.4 (MANE Select); coding-DNA position 5971, T replaced by G.
Protein change: p.Ser1991Ala; replaces serine 1991 with alanine.
Molecular consequence: missense variant.
Genome position (GRCh38, 1-based): chr18:70,020,797, A>C on the plus strand (T>G on the coding strand, the complement: RTTN is on the minus strand). VCF-style: chr18-70020797-A-C. GRCh37 (hg19) VCF-style: chr18-67688033-A-C.
Other names: c.3235T>G, p.Ser1079Ala (NM_001318520.2); c.5971T>G (NM_173630.3); short protein forms S1079A, S1991A.
Identifiers: ClinVar variation 2194510 (VCV002194510.2), dbSNP rs142159336, ClinGen allele CA8994790.

ClinVar aggregate classification (germline): Uncertain significance. Review status: criteria provided, multiple submitters, no conflicts (2 of 4 stars). 2 submissions from 2 submitters: Uncertain significance (2). Last evaluated 2023-02-28.

Allele frequency attached by ClinVar (database versions not stated): gnomAD exomes 0.00001; ExAC 0.00004; ESP Exome Variant Server 0.00008; gnomAD 0.00010; 1000 Genomes Project 30x 0.00016; 1000 Genomes Project 0.00020.
gnomAD v4.1: 31 of 1,612,512 alleles (0.0019%); highest among the groups gnomAD compares: African/African-American, 0.028%; no homozygotes.

Submissions (2):

GeneDx
Classification: Uncertain significance. Last evaluated: 2023-02-28. Review status: criteria provided, single submitter. Criteria: GeneDx Variant Classification Process June 2021. Collection method: clinical testing. Allele origin: germline. Affected: yes.
Comment: In silico analysis supports that this missense variant does not alter protein structure/function; Has not been previously published as pathogenic or benign to our knowledge

Labcorp Genetics (formerly Invitae), Labcorp
Classification: Uncertain significance. Last evaluated: 2022-10-14. Review status: criteria provided, single submitter. Criteria: Invitae Variant Classification Sherloc (09022015). Collection method: clinical testing. Allele origin: germline.
Comment: This sequence change replaces serine, which is neutral and polar, with alanine, which is neutral and non-polar, at codon 1991 of the RTTN protein (p.Ser1991Ala). This variant is present in population databases (rs142159336, gnomAD 0.03%). This variant has not been reported in the literature in individuals affected with RTTN-related conditions. Advanced modeling of protein sequence and biophysical properties (such as structural, functional, and spatial information, amino acid conservation, physicochemical variation, residue mobility, and thermodynamic stability) performed at Invitae indicates that this missense variant is not expected to disrupt RTTN protein function. In summary, the available evidence is currently insufficient to determine the role of this variant in disease. Therefore, it has been classified as a Variant of Uncertain Significance.